The following is an entry in ClinVar:

NM_007118.4(TRIO):c.4292A>T (p.Lys1431Met)

Gene: TRIO (trio Rho guanine nucleotide exchange factor; plus strand). Cytogenetic location: 5p15.2.
Variant type: single nucleotide variant.
Coding change: c.4292A>T on transcript NM_007118.4 (MANE Select); coding-DNA position 4292, A replaced by T.
Protein change: p.Lys1431Met; replaces lysine 1431 with methionine.
Molecular consequence: missense variant. On other transcripts: non-coding transcript variant (1).
Genome position (GRCh38, 1-based): chr5:14,394,111, A>T. VCF-style: chr5-14394111-A-T. GRCh37 (hg19) VCF-style: chr5-14394220-A-T.
Other names: c.4292A>T (NM_007118.3); short protein forms K1431M.
Identifiers: ClinVar variation 985519 (VCV000985519.5), dbSNP rs1747351918, ClinGen allele CA359233060.

ClinVar aggregate classification (germline): Pathogenic. Review status: criteria provided, multiple submitters, no conflicts (2 of 4 stars). 2 submissions from 2 submitters: Pathogenic (2). Last evaluated 2023-09-05.

Conditions:
Inborn genetic diseases. Identifiers: MedGen C0950123, MeSH D030342.
TRIO-related disorder. Also called: TRIO-related condition; TRIO-related disorders.

Submissions (2):

PreventionGenetics, part of Exact Sciences
Classification: Pathogenic for TRIO-related condition. Last evaluated: 2023-09-05. Review status: criteria provided, single submitter. Criteria: ACMG Guidelines, 2015. Collection method: clinical testing. Allele origin: germline.
Comment: The TRIO c.4292A>T variant is predicted to result in the amino acid substitution p.Lys1431Met. This variant has been reported to have arisen de novo in an individual with autism spectrum disorder (Table S2, Sanders et al. 2012. PubMed ID: 22495306). An in vitro experimental study suggests this variant affects protein function (Figure 4, Katrancha et al. 2017. PubMed ID: 28973398). This variant has not been reported in a large population database, indicating this variant is rare. This variant is interpreted as pathogenic.

Ambry Genetics
Classification: Pathogenic for Inborn genetic diseases. Last evaluated: 2020-04-23. Review status: criteria provided, single submitter. Criteria: Ambry Variant Classification Scheme 2023. Collection method: clinical testing. Allele origin: germline.
Comment: The alteration results in an amino acid change:_x000D_ _x000D_ The c.4292A>T (p.K1431M) alteration is located in coding exon 28 of the TRIO gene. This alteration results from an A to T substitution at nucleotide position 4292, causing the lysine (K) at amino acid position 1431 to be replaced by a methionine (M). The alteration is not observed in population databases: _x000D_ _x000D_ Based on data from the Genome Aggregation Database (gnomAD), the TRIO c.4292A>T alteration was not observed, with coverage at this position. The alteration has been observed in affected individuals:_x000D_ _x000D_ The c.4292A>T (p.K1431M) alteration has been previously reported in unrelated patients with autism (Sanders, 2012; Katrancha, 2017; Sadybekov, 2017). The altered amino acid is conserved throughout evolution:_x000D_ _x000D_ The p.K1431 amino acid is conserved in available vertebrate species. The amino acid is located in a functionally important protein domain:_x000D_ _x000D_ The p.K1431 amino acid is located in the critical, GEF1/DH1 subdomain (guanine nucleotide exchange factor/Dbl homology), which binds directly to Rac1 and is essential for Trio's ability to promote actin polymerization (Sadybekov, 2017). Functional analysis reveals a damaging effect of the amino acid alteration: _x000D_ _x000D_ Structure-based modeling have shown that the p.K1431M alteration is predicted to interfere with the ability of the GEF1/DH1 subdomain to interact with Rac1 due to disruption of the intermolecular hydrogen bonding network. In addition, fluorescence lifetime imaging (FLIM) of K1431M in HEK293 cells and mutant expression in CA1 pyramidal neurons showed that K1431M likely competes with endogenous, wild-type Trio at synapses and results in a reduction in synaptic AMPAR function (Sadybekov, 2017). The alteration is predicted inconclusive by in silico modeling:_x000D_ _x000D_ The in silico prediction for the p.K1431M alteration is inconclusive. Based on the available evidence, this alteration is classified as pathogenic.

Literature cited by the submitters: PubMed 22495306 (cited by Ambry Genetics); PubMed 25363768 (cited by Ambry Genetics); PubMed 28191890 (cited by Ambry Genetics); PubMed 28928363 (cited by Ambry Genetics); PubMed 28973398 (cited by Ambry Genetics).